The following is an entry in ClinVar:

NM_000883.4(IMPDH1):c.624C>T (p.Pro208=)

Gene: IMPDH1 (inosine monophosphate dehydrogenase 1; minus strand). Cytogenetic location: 7q32.1.
Variant type: single nucleotide variant.
Coding change: c.624C>T on transcript NM_000883.4 (MANE Select); coding-DNA position 624, C replaced by T.
Protein change: p.Pro208=; no amino-acid change (proline 208 retained).
Molecular consequence: synonymous variant.
Genome position (GRCh38, 1-based): chr7:128,400,495, G>A on the plus strand (C>T on the coding strand, the complement: IMPDH1 is on the minus strand). VCF-style: chr7-128400495-G-A. GRCh37 (hg19) VCF-style: chr7-128040549-G-A.
Other names: c.594C>T, p.Pro198= (NM_001102605.2); c.369C>T, p.Pro123= (NM_001142573.2); c.354C>T, p.Pro118= (NM_001142574.2); c.294C>T, p.Pro98= (NM_001142575.2); c.525C>T, p.Pro175= (NM_001142576.2); c.417C>T, p.Pro139= (NM_001304521.2); c.516C>T, p.Pro172= (NM_183243.3).
Identifiers: ClinVar variation 4085128 (VCV004085128.8).

ClinVar aggregate classification (germline): Likely benign (1 of 4 stars; one submission).

Submission:

CeGaT Center for Human Genetics Tuebingen
Classification: Likely benign. Last evaluated: 2025-06-01. Review status: criteria provided, single submitter. Criteria: CeGaT Center For Human Genetics Tuebingen Variant Classification Criteria Version 2. Collection method: clinical testing. Allele origin: germline. Affected: yes. Observed: 1 variant allele.
Comment: IMPDH1: PM2:Supporting, BP4, BP7